The following is an entry in ClinVar:

NM_005560.6(LAMA5):c.10510C>T (p.Pro3504Ser)

Gene: LAMA5 (laminin subunit alpha 5; minus strand). Cytogenetic location: 20q13.33.
Variant type: single nucleotide variant.
Coding change: c.10510C>T on transcript NM_005560.6 (MANE Select); coding-DNA position 10510, C replaced by T.
Protein change: p.Pro3504Ser; replaces proline 3504 with serine.
Molecular consequence: missense variant.
Genome position (GRCh38, 1-based): chr20:62,310,509, G>A on the plus strand (C>T on the coding strand, the complement: LAMA5 is on the minus strand). VCF-style: chr20-62310509-G-A. GRCh37 (hg19) VCF-style: chr20-60885565-G-A.
Other names: short protein forms P3504S.
Identifiers: ClinVar variation 2294017 (VCV002294017.5), dbSNP rs771126709, ClinGen allele CA9939761.

ClinVar aggregate classification (germline): Uncertain significance. Review status: criteria provided, multiple submitters, no conflicts (2 of 4 stars). 2 submissions from 2 submitters: Uncertain significance (2). Last evaluated 2024-11-05.

Conditions:
Inborn genetic diseases. Identifiers: MedGen C0950123, MeSH D030342.

Allele frequency attached by ClinVar (database versions not stated): ExAC 0.00001; gnomAD 0.00001.
gnomAD v4.1: 16 of 1,555,020 alleles (0.001%); highest among the groups gnomAD compares: Middle Eastern, 0.017%; no homozygotes.

Submissions (2):

Labcorp Genetics (formerly Invitae), Labcorp
Classification: Uncertain significance. Last evaluated: 2024-11-05. Review status: criteria provided, single submitter. Criteria: Invitae Variant Classification Sherloc (09022015). Collection method: clinical testing. Allele origin: germline.
Comment: This sequence change replaces proline, which is neutral and non-polar, with serine, which is neutral and polar, at codon 3504 of the LAMA5 protein (p.Pro3504Ser). This variant is present in population databases (rs771126709, gnomAD 0.02%). This variant has not been reported in the literature in individuals affected with LAMA5-related conditions. ClinVar contains an entry for this variant (Variation ID: 2294017). Invitae Evidence Modeling of protein sequence and biophysical properties (such as structural, functional, and spatial information, amino acid conservation, physicochemical variation, residue mobility, and thermodynamic stability) indicates that this missense variant is not expected to disrupt LAMA5 protein function with a negative predictive value of 80%. In summary, the available evidence is currently insufficient to determine the role of this variant in disease. Therefore, it has been classified as a Variant of Uncertain Significance.

Ambry Genetics
Classification: Uncertain significance for Inborn genetic diseases. Last evaluated: 2022-06-03. Review status: criteria provided, single submitter. Criteria: Ambry Variant Classification Scheme 2023. Collection method: clinical testing. Allele origin: germline.